The following is an entry in ClinVar:

NM_000824.5(GLRB):c.1194G>T (p.Leu398Phe)

Gene: GLRB (glycine receptor beta; plus strand). Cytogenetic location: 4q32.1.
Variant type: single nucleotide variant.
Coding change: c.1194G>T on transcript NM_000824.5 (MANE Select); coding-DNA position 1194, G replaced by T.
Protein change: p.Leu398Phe; replaces leucine 398 with phenylalanine.
Molecular consequence: missense variant. On other transcripts: intron variant (1).
Genome position (GRCh38, 1-based): chr4:157,153,007, G>T. VCF-style: chr4-157153007-G-T. GRCh37 (hg19) VCF-style: chr4-158074159-G-T.
Other names: c.1194G>T, p.Leu398Phe (NM_001166060.2); c.904+9048G>T (NM_001166061.2); short protein forms L398F.
Identifiers: ClinVar variation 1505387 (VCV001505387.6), dbSNP rs1579244595, ClinGen allele CA358644814.

ClinVar aggregate classification (germline): Uncertain significance (1 of 4 stars; one submission).

Conditions:
Hyperekplexia 2 (HKPX2). Identifiers: Orphanet 3197, MedGen C3553291, MONDO:0013828, OMIM 614619.

Allele frequency attached by ClinVar (database versions not stated): gnomAD exomes below 0.00001.
gnomAD v4.1: 3 of 1,612,142 alleles (0.00019%); highest among the groups gnomAD compares: Non-Finnish European, 0.00025%; no homozygotes.

Submission:

Labcorp Genetics (formerly Invitae), Labcorp
Classification: Uncertain significance for Hyperekplexia 2. Last evaluated: 2021-11-23. Review status: criteria provided, single submitter. Criteria: Invitae Variant Classification Sherloc (09022015). Collection method: clinical testing. Allele origin: germline.
Comment: In summary, the available evidence is currently insufficient to determine the role of this variant in disease. Therefore, it has been classified as a Variant of Uncertain Significance. Advanced modeling of protein sequence and biophysical properties (such as structural, functional, and spatial information, amino acid conservation, physicochemical variation, residue mobility, and thermodynamic stability) performed at Invitae indicates that this missense variant is not expected to disrupt GLRB protein function. This variant has not been reported in the literature in individuals affected with GLRB-related conditions. This variant is not present in population databases (gnomAD no frequency). This sequence change replaces leucine, which is neutral and non-polar, with phenylalanine, which is neutral and non-polar, at codon 398 of the GLRB protein (p.Leu398Phe).